The following is an entry in ClinVar:

ClinVar aggregate classification (germline): Uncertain significance (1 of 4 stars; one submission).

Submission:

Labcorp Genetics (formerly Invitae), Labcorp
Classification: Uncertain significance. Last evaluated: 2024-04-03. Review status: criteria provided, single submitter. Criteria: Invitae Variant Classification Sherloc (09022015). Collection method: clinical testing. Allele origin: germline.
Comment: This sequence change replaces aspartic acid, which is acidic and polar, with glutamic acid, which is acidic and polar, at codon 223 of the SEMA3A protein (p.Asp223Glu). This variant is not present in population databases (gnomAD no frequency). This variant has not been reported in the literature in individuals affected with SEMA3A-related conditions. An algorithm developed to predict the effect of missense changes on protein structure and function (PolyPhen-2) suggests that this variant is likely to be tolerated. In summary, the available evidence is currently insufficient to determine the role of this variant in disease. Therefore, it has been classified as a Variant of Uncertain Significance.

NM_006080.3(SEMA3A):c.669T>A (p.Asp223Glu)

Gene: SEMA3A (semaphorin 3A; minus strand). Cytogenetic location: 7q21.11.
Variant type: single nucleotide variant.
Coding change: c.669T>A on transcript NM_006080.3 (MANE Select); coding-DNA position 669, T replaced by A.
Protein change: p.Asp223Glu; replaces aspartic acid 223 with glutamic acid.
Molecular consequence: missense variant.
Genome position (GRCh38, 1-based): chr7:84,014,350, A>T on the plus strand (T>A on the coding strand, the complement: SEMA3A is on the minus strand). VCF-style: chr7-84014350-A-T. GRCh37 (hg19) VCF-style: chr7-83643666-A-T.
Other names: short protein forms D223E.
Identifiers: ClinVar variation 3679509 (VCV003679509.2).